The following is an entry in ClinVar:

NM_144672.4(OTOA):c.2795G>C (p.Gly932Ala)

Gene: OTOA (otoancorin). Cytogenetic location: 16p12.2.
Variant type: single nucleotide variant.
Coding change: c.2795G>C on transcript NM_144672.4 (MANE Select); coding-DNA position 2795, G replaced by C.
Protein change: p.Gly932Ala; replaces glycine 932 with alanine.
Molecular consequence: missense variant.
Genome position (GRCh38, 1-based): chr16:21,751,954, G>C. VCF-style: chr16-21751954-G-C. GRCh37 (hg19) VCF-style: chr16-21763275-G-C.
Other names: c.2558G>C, p.Gly853Ala (NM_001161683.2); c.1823G>C, p.Gly608Ala (NM_170664.3); short protein forms G932A, G853A, G608A.
Identifiers: ClinVar variation 4993295 (VCV004993295.1).

ClinVar aggregate classification (germline): Uncertain significance (1 of 4 stars; one submission).

Conditions:
OTOA-related disorder. Also called: OTOA-related condition.

gnomAD v4.1: 46 of 348,050 alleles (0.013%); highest among the groups gnomAD compares: Non-Finnish European, 0.022%; 4 homozygotes.

Submission:

PreventionGenetics, part of Exact Sciences
Classification: Uncertain significance for OTOA-related condition. Last evaluated: 2026-07-28. Review status: criteria provided, single submitter. Criteria: ACMG Guidelines, 2015. Collection method: clinical testing. Allele origin: germline.
Comment: The OTOA c.2795G>C variant is predicted to result in the amino acid substitution p.Gly932Ala. To our knowledge, this variant has not been reported in the literature. This variant is reported in 0.020% of alleles in individuals of European (Non-Finnish) descent in gnomAD. At this time, the clinical significance of this variant is uncertain due to the absence of conclusive functional and genetic evidence.